The following is an entry in ClinVar:

ClinVar aggregate classification (germline): Uncertain significance. Review status: criteria provided, multiple submitters, no conflicts (2 of 4 stars). 2 submissions from 2 submitters: Uncertain significance (2). Last evaluated 2025-10-08.

Conditions:
Ciliary dyskinesia, primary, 40. Also called: CILIARY DYSKINESIA, PRIMARY, 40, WITH OR WITHOUT SITUS INVERSUS. Identifiers: MedGen C4749028, MONDO:0032664, OMIM 618300.

gnomAD v4.1: 40 of 1,613,608 alleles (0.0025%); highest among the groups gnomAD compares: Non-Finnish European, 0.0031%; no homozygotes.

Submissions (2):

Labcorp Genetics (formerly Invitae), Labcorp
Classification: Uncertain significance. Last evaluated: 2025-10-08. Review status: criteria provided, single submitter. Criteria: Invitae Variant Classification Sherloc (09022015). Collection method: clinical testing. Allele origin: germline.
Comment: This sequence change replaces valine, which is neutral and non-polar, with methionine, which is neutral and non-polar, at codon 2505 of the DNAH9 protein (p.Val2505Met). This variant is present in population databases (no rsID available, gnomAD 0.003%). This variant has not been reported in the literature in individuals affected with DNAH9-related conditions. ClinVar contains an entry for this variant (Variation ID: 2149750). Invitae Evidence Modeling of protein sequence and biophysical properties (such as structural, functional, and spatial information, amino acid conservation, physicochemical variation, residue mobility, and thermodynamic stability) indicates that this missense variant is not expected to disrupt DNAH9 protein function with a negative predictive value of 80%. In summary, the available evidence is currently insufficient to determine the role of this variant in disease. Therefore, it has been classified as a Variant of Uncertain Significance.

Baylor Genetics
Classification: Uncertain significance for Ciliary dyskinesia, primary, 40. Last evaluated: 2022-12-24. Review status: criteria provided, single submitter. Criteria: ACMG Guidelines, 2015. Collection method: clinical testing. Allele origin: unknown.

NM_001372.4(DNAH9):c.7513G>A (p.Val2505Met)

Gene: DNAH9 (dynein axonemal heavy chain 9; plus strand). Cytogenetic location: 17p12.
Variant type: single nucleotide variant.
Coding change: c.7513G>A on transcript NM_001372.4 (MANE Select); coding-DNA position 7513, G replaced by A.
Protein change: p.Val2505Met; replaces valine 2505 with methionine.
Molecular consequence: missense variant.
Genome position (GRCh38, 1-based): chr17:11,769,290, G>A. VCF-style: chr17-11769290-G-A. GRCh37 (hg19) VCF-style: chr17-11672607-G-A.
Other names: short protein forms V2505M.
Identifiers: ClinVar variation 2149750 (VCV002149750.4), dbSNP rs61744697, ClinGen allele CA398190421.